The following is an entry in ClinVar:

ClinVar aggregate classification (germline): Uncertain significance (1 of 4 stars; one submission).

gnomAD v4.1: 1 of 1,576,316 alleles (0.000063%); highest among the groups gnomAD compares: South Asian, 0.0012%; no homozygotes.

Submission:

Ambry Genetics
Classification: Uncertain significance. Last evaluated: 2024-06-19. Review status: criteria provided, single submitter. Criteria: Ambry Variant Classification Scheme 2023. Collection method: clinical testing. Allele origin: germline.
Comment: The p.L691R variant (also known as c.2072T>G), located in coding exon 19 of the PRKDC gene, results from a T to G substitution at nucleotide position 2072. The leucine at codon 691 is replaced by arginine, an amino acid with dissimilar properties. This amino acid position is conserved. In addition, this alteration is predicted to be tolerated by in silico analysis. Based on the available evidence, the clinical significance of this variant remains unclear.

NM_006904.7(PRKDC):c.2072T>G (p.Leu691Arg)

Gene: PRKDC (protein kinase, DNA-activated, catalytic subunit; minus strand). Cytogenetic location: 8q11.21.
Variant type: single nucleotide variant.
Coding change: c.2072T>G on transcript NM_006904.7 (MANE Select); coding-DNA position 2072, T replaced by G.
Protein change: p.Leu691Arg; replaces leucine 691 with arginine.
Molecular consequence: missense variant.
Genome position (GRCh38, 1-based): chr8:47,929,159, A>C on the plus strand (T>G on the coding strand, the complement: PRKDC is on the minus strand). VCF-style: chr8-47929159-A-C. GRCh37 (hg19) VCF-style: chr8-48841719-A-C.
Other names: c.2072T>G, p.Leu691Arg (NM_001081640.2); short protein forms L691R.
Identifiers: ClinVar variation 3310046 (VCV003310046.1).